The following is an entry in ClinVar:

NM_147127.5(EVC2):c.1111G>T (p.Glu371Ter)

Gene: EVC2 (EvC ciliary complex subunit 2; minus strand). Cytogenetic location: 4p16.2.
Variant type: single nucleotide variant.
Coding change: c.1111G>T on transcript NM_147127.5 (MANE Select); coding-DNA position 1111, G replaced by T.
Protein change: p.Glu371Ter; replaces glutamic acid 371 with a stop codon.
Molecular consequence: nonsense.
Genome position (GRCh38, 1-based): chr4:5,663,141, C>A on the plus strand (G>T on the coding strand, the complement: EVC2 is on the minus strand). VCF-style: chr4-5663141-C-A. GRCh37 (hg19) VCF-style: chr4-5664868-C-A.
Other names: c.871G>T, p.Glu291Ter (NM_001166136.2); short protein forms E291*, E371*.
Identifiers: ClinVar variation 5014216 (VCV005014216.1).

ClinVar aggregate classification (germline): Pathogenic (1 of 4 stars; one submission).

Conditions:
Ellis-van Creveld syndrome (EVC). Also called: MESOECTODERMAL DYSPLASIA; Chondroectodermal dysplasia. Identifiers: Orphanet 289, MedGen C0013903, MONDO:0009162, OMIM 225500.

Submission:

Myriad Genetics, Inc.
Classification: Pathogenic for Ellis-van Creveld syndrome. Last evaluated: 2025-03-14. Review status: criteria provided, single submitter. Criteria: Myriad Autosomal Dominant, Autosomal Recessive and X-Linked Classification Criteria (2023). Collection method: clinical testing. Allele origin: unknown.
Comment: NM_147127.4(EVC2):c.1111G>T(E371*) is expected to be pathogenic in the context of EVC2-related Ellis-van Creveld syndrome. This variant is predicted to lead to an abnormal or absent protein product due to the creation of a premature termination codon in EVC2, a gene where loss-of-function variants are known to be pathogenic. Please note: this variant was assessed in the context of healthy population screening.